The following is an entry in ClinVar:

NM_015160.3(PMPCA):c.412G>T (p.Gly138Cys)

Gene: PMPCA (peptidase, mitochondrial processing subunit alpha; plus strand). Cytogenetic location: 9q34.3.
Variant type: single nucleotide variant.
Coding change: c.412G>T on transcript NM_015160.3 (MANE Select); coding-DNA position 412, G replaced by T.
Protein change: p.Gly138Cys; replaces glycine 138 with cysteine.
Molecular consequence: missense variant. On other transcripts: synonymous variant (2).
Genome position (GRCh38, 1-based): chr9:136,412,867, G>T. VCF-style: chr9-136412867-G-T. GRCh37 (hg19) VCF-style: chr9-139307319-G-T.
Other names: c.114G>T, p.Gly38= (NM_001282944.2, NM_001282946.2); short protein forms G138C.
Identifiers: ClinVar variation 2098826 (VCV002098826.4), dbSNP rs2538838285, ClinGen allele CA375552538.

ClinVar aggregate classification (germline): Uncertain significance (1 of 4 stars; one submission).

Submission:

Labcorp Genetics (formerly Invitae), Labcorp
Classification: Uncertain significance. Last evaluated: 2024-10-24. Review status: criteria provided, single submitter. Criteria: Invitae Variant Classification Sherloc (09022015). Collection method: clinical testing. Allele origin: germline.
Comment: This sequence change replaces glycine, which is neutral and non-polar, with cysteine, which is neutral and slightly polar, at codon 138 of the PMPCA protein (p.Gly138Cys). This variant is not present in population databases (gnomAD no frequency). This variant has not been reported in the literature in individuals affected with PMPCA-related conditions. ClinVar contains an entry for this variant (Variation ID: 2098826). Invitae Evidence Modeling of protein sequence and biophysical properties (such as structural, functional, and spatial information, amino acid conservation, physicochemical variation, residue mobility, and thermodynamic stability) indicates that this missense variant is expected to disrupt PMPCA protein function with a positive predictive value of 80%. In summary, the available evidence is currently insufficient to determine the role of this variant in disease. Therefore, it has been classified as a Variant of Uncertain Significance.